The following is an entry in ClinVar:

NM_001429.4(EP300):c.3332A>G (p.Tyr1111Cys)

Gene: EP300 (EP300 lysine acetyltransferase; plus strand). Cytogenetic location: 22q13.2.
Variant type: single nucleotide variant.
Coding change: c.3332A>G on transcript NM_001429.4 (MANE Select); coding-DNA position 3332, A replaced by G.
Protein change: p.Tyr1111Cys; replaces tyrosine 1111 with cysteine.
Molecular consequence: missense variant.
Genome position (GRCh38, 1-based): chr22:41,157,239, A>G. VCF-style: chr22-41157239-A-G. GRCh37 (hg19) VCF-style: chr22-41553243-A-G.
Other names: c.3254A>G, p.Tyr1085Cys (NM_001362843.2); short protein forms Y1085C, Y1111C.
Identifiers: ClinVar variation 3345085 (VCV003345085.2).
Genomic context (GRCh38, chr22:41,157,239, plus strand): 5'-ATATTGTGAAGAGCCCCATGGATCTTTCTACCATTAAGAGGAAGTTAGACACTGGACAGT[A>G]TCAGGAGCCCTGGCAGTATGTCGATGATATTTGGCTTATGTTCAATAATGCCTGGTTATA-3'
Protein context (NP_001420.2, residues 1101-1121): TIKRKLDTGQ[Tyr1111Cys]QEPWQYVDDI

ClinVar aggregate classification (germline): Uncertain significance. Review status: criteria provided, single submitter (1 of 4 stars). 2 submissions from 2 submitters: Uncertain significance (1). 1 of the submissions does not count toward it. Last evaluated 2025-08-23.

Conditions:
Inborn genetic diseases. Identifiers: MedGen C0950123, MeSH D030342.
EP300-related disorder. Also called: EP300-related disorders; EP300-related condition.

gnomAD v4.1: 2 of 1,614,208 alleles (0.00012%); highest among the groups gnomAD compares: Admixed American, 0.0017%; no homozygotes.

Submissions (2):

Ambry Genetics
Classification: Uncertain significance for Inborn genetic diseases. Last evaluated: 2025-08-23. Review status: criteria provided, single submitter. Criteria: Ambry Variant Classification Scheme 2023. Collection method: clinical testing. Allele origin: germline.

PreventionGenetics, part of Exact Sciences
Classification: Uncertain significance for EP300-related condition. Last evaluated: 2024-06-18. Review status: no assertion criteria provided. Collection method: clinical testing. Allele origin: germline. Not counted in ClinVar's aggregate classification.
Comment: The EP300 c.3332A>G variant is predicted to result in the amino acid substitution p.Tyr1111Cys. To our knowledge, this variant has not been reported in the literature. This variant is reported in 0.0058% of alleles in individuals of Latino descent in gnomAD. At this time, the clinical significance of this variant is uncertain due to the absence of conclusive functional and genetic evidence.